The following is an entry in ClinVar:

ClinVar aggregate classification (germline): Uncertain significance (1 of 4 stars; one submission).

Submission:

Labcorp Genetics (formerly Invitae), Labcorp
Classification: Uncertain significance. Last evaluated: 2023-02-17. Review status: criteria provided, single submitter. Criteria: Invitae Variant Classification Sherloc (09022015). Collection method: clinical testing. Allele origin: germline.
Comment: This variant has not been reported in the literature in individuals affected with NEDD4L-related conditions. Advanced modeling of protein sequence and biophysical properties (such as structural, functional, and spatial information, amino acid conservation, physicochemical variation, residue mobility, and thermodynamic stability) performed at Invitae indicates that this missense variant is expected to disrupt NEDD4L protein function. Algorithms developed to predict the effect of sequence changes on RNA splicing suggest that this variant may create or strengthen a splice site. In summary, the available evidence is currently insufficient to determine the role of this variant in disease. Therefore, it has been classified as a Variant of Uncertain Significance. This variant is not present in population databases (gnomAD no frequency). This sequence change replaces phenylalanine, which is neutral and non-polar, with cysteine, which is neutral and slightly polar, at codon 663 of the NEDD4L protein (p.Phe663Cys).

NM_001144967.3(NEDD4L):c.2048T>G (p.Phe683Cys)

Gene: NEDD4L (NEDD4 like E3 ubiquitin protein ligase; plus strand). Cytogenetic location: 18q21.31.
Variant type: single nucleotide variant.
Coding change: c.2048T>G on transcript NM_001144967.3 (MANE Select); coding-DNA position 2048, T replaced by G.
Protein change: p.Phe683Cys; replaces phenylalanine 683 with cysteine.
Molecular consequence: missense variant.
Genome position (GRCh38, 1-based): chr18:58,366,213, T>G. VCF-style: chr18-58366213-T-G. GRCh37 (hg19) VCF-style: chr18-56033445-T-G.
Other names: c.1685T>G, p.Phe562Cys (NM_001144966.3, NM_001144964.1, NM_001144965.2); c.2024T>G, p.Phe675Cys (NM_001144968.2); c.1964T>G, p.Phe655Cys (NM_001144969.2); c.1625T>G, p.Phe542Cys (NM_001144970.3, NM_001144971.2); c.1856T>G, p.Phe619Cys (NM_001243960.2); c.1988T>G, p.Phe663Cys (NM_015277.6); short protein forms F562C, F655C, F663C, F675C, F542C, F619C, F683C.
Identifiers: ClinVar variation 2838415 (VCV002838415.3), dbSNP rs2517672577, ClinGen allele CA402548483.
Genomic context (GRCh38, chr18:58,366,213, plus strand): 5'-TGGCCAGAGAATGGTTCTTCTTACTGTCCAAAGAGATGTTCAACCCCTACTACGGCCTCT[T>G]TGAGTACTCTGCCACGTAAGTATATGGCCACACCCAGTGTGTGTCCCCCACTGAGACAGT-3'
Protein context (NP_001138439.1, residues 673-693): KEMFNPYYGL[Phe683Cys]EYSATDNYTL